The following is an entry in ClinVar:

ClinVar aggregate classification (germline): Uncertain significance (1 of 4 stars; one submission).

Submission:

GeneDx
Classification: Uncertain significance. Last evaluated: 2024-10-17. Review status: criteria provided, single submitter. Criteria: GeneDx Variant Classification Process June 2021. Collection method: clinical testing. Allele origin: germline. Affected: yes.
Comment: Not observed at significant frequency in large population cohorts (gnomAD); In silico analysis indicates that this missense variant does not alter protein structure/function; Has not been previously published as pathogenic or benign to our knowledge

NM_182948.4(PRKACB):c.67G>A (p.Glu23Lys)

Gene: PRKACB (protein kinase cAMP-activated catalytic subunit beta; plus strand). Cytogenetic location: 1p31.1.
Variant type: single nucleotide variant.
Coding change: c.67G>A on transcript NM_182948.4 (MANE Select); coding-DNA position 67, G replaced by A.
Protein change: p.Glu23Lys; replaces glutamic acid 23 with lysine.
Molecular consequence: missense variant. On other transcripts: intron variant (3).
Genome position (GRCh38, 1-based): chr1:84,144,428, G>A. VCF-style: chr1-84144428-G-A. GRCh37 (hg19) VCF-style: chr1-84610111-G-A.
Other names: c.67G>A, p.Glu23Lys (NM_001300916.2); c.47-34749G>A (NM_002731.4, NM_001375576.1, NM_207578.3); short protein forms E23K.
Identifiers: ClinVar variation 3781128 (VCV003781128.1).